The following is an entry in ClinVar:

ClinVar aggregate classification (germline): Conflicting classifications of pathogenicity. Review status: criteria provided, conflicting classifications (1 of 4 stars). 3 submissions from 3 submitters: Uncertain significance (2); Likely benign (1). Last evaluated 2023-03-10.

Conditions:
Beta-D-mannosidosis (MANSB). Also called: Beta-Mannosidosis; LYSOSOMAL BETA-MANNOSIDASE DEFICIENCY; MANNOSIDOSIS, BETA A, LYSOSOMAL; BETA-MANNOSIDASE DEFICIENCY. Identifiers: Orphanet 118, MedGen C4048196, MONDO:0009562, OMIM 248510.

Allele frequency attached by ClinVar (database versions not stated): ESP Exome Variant Server 0.00008; TOPMed 0.00010; 1000 Genomes Project 30x 0.00016; 1000 Genomes Project 0.00020.
gnomAD v4.1: 189 of 1,614,188 alleles (0.012%); highest among the groups gnomAD compares: Admixed American, 0.1%; no homozygotes.

Submissions (3):

GeneDx
Classification: Uncertain significance. Last evaluated: 2023-03-10. Review status: criteria provided, single submitter. Criteria: GeneDx Variant Classification Process June 2021. Collection method: clinical testing. Allele origin: germline. Affected: yes.
Comment: In silico analysis supports that this missense variant does not alter protein structure/function; Has not been previously published as pathogenic or benign to our knowledge

Labcorp Genetics (formerly Invitae), Labcorp
Classification: Uncertain significance for Beta-D-mannosidosis. Last evaluated: 2022-10-03. Review status: criteria provided, single submitter. Criteria: Invitae Variant Classification Sherloc (09022015). Collection method: clinical testing. Allele origin: germline.
Comment: This sequence change replaces arginine, which is basic and polar, with histidine, which is basic and polar, at codon 734 of the MANBA protein (p.Arg734His). This variant is present in population databases (rs143630504, gnomAD 0.2%). This variant has not been reported in the literature in individuals affected with MANBA-related conditions. ClinVar contains an entry for this variant (Variation ID: 859480). Advanced modeling of protein sequence and biophysical properties (such as structural, functional, and spatial information, amino acid conservation, physicochemical variation, residue mobility, and thermodynamic stability) performed at Invitae indicates that this missense variant is not expected to disrupt MANBA protein function. In summary, the available evidence is currently insufficient to determine the role of this variant in disease. Therefore, it has been classified as a Variant of Uncertain Significance.

Blueprint Genetics
Classification: Likely benign. Last evaluated: 2022-09-09. Review status: criteria provided, single submitter. Criteria: ACMG Guidelines, 2015. Collection method: clinical testing. Allele origin: germline.

NM_005908.4(MANBA):c.2201G>A (p.Arg734His)

Gene: MANBA (mannosidase beta; minus strand). Cytogenetic location: 4q24.
Variant type: single nucleotide variant.
Coding change: c.2201G>A on transcript NM_005908.4 (MANE Select); coding-DNA position 2201, G replaced by A.
Protein change: p.Arg734His; replaces arginine 734 with histidine.
Molecular consequence: missense variant.
Genome position (GRCh38, 1-based): chr4:102,635,002, C>T on the plus strand (G>A on the coding strand, the complement: MANBA is on the minus strand). VCF-style: chr4-102635002-C-T. GRCh37 (hg19) VCF-style: chr4-103556159-C-T.
Other names: short protein forms R734H.
Identifiers: ClinVar variation 859480 (VCV000859480.4), dbSNP rs143630504, ClinGen allele CA3026670.